The following is an entry in ClinVar:

NC_000016.9:g.(?_84188162)_(84203982_?)del

Gene: DNAAF1 (dynein axonemal assembly factor 1; plus strand). Cytogenetic location: 16q23.3-24.1.
Variant type: Deletion.
Identifiers: ClinVar variation 2427570 (VCV002427570.12).

ClinVar aggregate classification (germline): Pathogenic (1 of 4 stars; one submission).

Conditions:
Primary ciliary dyskinesia. Also called: Ciliary dyskinesia. Identifiers: Orphanet 244, MedGen C0008780, MONDO:0016575, HP:0012265.

Submission:

Labcorp Genetics (formerly Invitae), Labcorp
Classification: Pathogenic for Primary ciliary dyskinesia. Last evaluated: 2023-07-17. Review status: criteria provided, single submitter. Criteria: Invitae Variant Classification Sherloc (09022015). Collection method: clinical testing. Allele origin: germline.
Comment: This variant is a gross deletion of the genomic region encompassing exon(s) 4-8 of the DNAAF1 gene. This variant would be expected to be in-frame, preserving the integrity of the reading frame. This variant has not been reported in the literature in individuals affected with DNAAF1-related conditions. This variant disrupts a region of the DNAAF1 protein in which other variant(s) (p.Leu232Val) have been determined to be pathogenic (Invitae). This suggests that this is a clinically significant region of the protein, and that variants that disrupt it are likely to be disease-causing. For these reasons, this variant has been classified as Pathogenic.